The following is an entry in ClinVar:

ClinVar aggregate classification (germline): Uncertain significance (1 of 4 stars; one submission).

Submission:

Women's Health and Genetics/Laboratory Corporation of America, LabCorp
Classification: Uncertain significance. Last evaluated: 2024-10-21. Review status: criteria provided, single submitter. Criteria: LabCorp Variant Classification Summary - May 2015. Collection method: clinical testing. Allele origin: germline.
Comment: Variant summary: The variant involves the duplication of exons 1-5 in the LYRM7 gene. This duplication includes the entire coding sequence of the gene. As exact breakpoints are unknown, it may extend beyond the annotated region of the gene, to include other flanking genes. A presumed nomenclature of c.(?_-78)_(*5828_?)dup has been designated for the purposes of this classification. The variant was absent in 21694 control chromosomes. The available data on variant occurrences in the general population are insufficient to allow any conclusion about variant significance. To our knowledge, no occurrence of c.(?_-78)_(*5828_?)dup in individuals affected with Mitochondrial Complex III Deficiency Nuclear Type 8 and no experimental evidence demonstrating its impact on protein function have been reported. No submitters have cited clinical-significance assessments for this variant to ClinVar. Based on the evidence outlined above, the variant was classified as uncertain significance.

NC_000005.9:g.(?_130506636)_(130541122_?)dup

Gene: LYRM7 (LYR motif containing 7; plus strand). Cytogenetic location: 5q23.3.
Variant type: Duplication.
Identifiers: ClinVar variation 3385182 (VCV003385182.1).